The following is an entry in ClinVar:

ClinVar aggregate classification (germline): Benign/Likely benign. Review status: criteria provided, multiple submitters, no conflicts (2 of 4 stars). 6 submissions from 6 submitters: Benign (2); Likely benign (3). 1 of the submissions does not count toward it. Last evaluated 2026-08-04.

Conditions:
Hereditary cancer-predisposing syndrome. Also called: Tumor predisposition; Neoplastic Syndromes, Hereditary; Hereditary Cancer Syndrome; Hereditary neoplastic syndrome. Identifiers: Orphanet 140162, MedGen C0027672, MeSH D009386, MONDO:0015356.
Hereditary pheochromocytoma and paraganglioma. Also called: Hereditary paragangliomas and pheochromocytomas; Hereditary Paraganglioma-Pheochromocytoma Syndromes; Hereditary pheochromocytoma-paraganglioma. Identifiers: Orphanet 29072, MedGen C4274332, MONDO:0017366.
Pheochromocytoma/paraganglioma syndrome 2. Also called: SDHAF2-Related Hereditary Paraganglioma-Pheochromocytoma Syndrome (Paragangliomas 2); Paragangliomas 2; SDHAF2-Related Hereditary Paraganglioma-Pheochromocytoma Syndrome; GLOMUS TUMORS, FAMILIAL, 2. Identifiers: Orphanet 29072, MedGen C1866552, MONDO:0011121, OMIM 601650.
SDHAF2-related disorder. Also called: SDHAF2-related condition.

Allele frequency attached by ClinVar (database versions not stated): ExAC 0.00001; gnomAD 0.00005; TOPMed 0.00006; gnomAD exomes 0.00002.
gnomAD v4.1: 11 of 1,614,116 alleles (0.00068%); highest among the groups gnomAD compares: African/African-American, 0.011%; no homozygotes.

Submissions (6):

Myriad Genetics, Inc.
Classification: Benign for Pheochromocytoma/paraganglioma syndrome 2. Last evaluated: 2026-08-04. Review status: criteria provided, single submitter. Criteria: Myriad Autosomal Dominant, Autosomal Recessive and X-Linked Classification Criteria (2023). Collection method: clinical testing. Allele origin: unknown.
Comment: This variant is considered benign. This variant is a silent/synonymous amino acid change and it is not expected to impact splicing.

Labcorp Genetics (formerly Invitae), Labcorp
Classification: Likely benign for Hereditary pheochromocytoma and paraganglioma. Last evaluated: 2025-04-23. Review status: criteria provided, single submitter. Criteria: Invitae Variant Classification Sherloc (09022015). Collection method: clinical testing. Allele origin: germline.

Color Diagnostics, LLC DBA Color Health
Classification: Likely benign for Hereditary pheochromocytoma and paraganglioma. Last evaluated: 2022-11-06. Review status: criteria provided, single submitter. Criteria: ACMG Guidelines, 2015. Collection method: clinical testing. Allele origin: germline.

Quest Diagnostics Nichols Institute San Juan Capistrano
Classification: Benign. Last evaluated: 2022-09-21. Review status: criteria provided, single submitter. Criteria: Quest Diagnostics criteria. Collection method: clinical testing. Allele origin: unknown.

Ambry Genetics
Classification: Likely benign for Hereditary cancer-predisposing syndrome. Last evaluated: 2017-07-07. Review status: criteria provided, single submitter. Criteria: Ambry Variant Classification Scheme 2023. Collection method: clinical testing. Allele origin: germline.

PreventionGenetics, part of Exact Sciences
Classification: Likely benign for SDHAF2-related condition. Last evaluated: 2022-05-31. Review status: no assertion criteria provided. Collection method: clinical testing. Allele origin: germline. Not counted in ClinVar's aggregate classification.
Comment: This variant is classified as likely benign based on ACMG/AMP sequence variant interpretation guidelines (Richards et al. 2015 PMID: 25741868, with internal and published modifications).

NM_017841.4(SDHAF2):c.24G>A (p.Ser8=)

Gene: SDHAF2 (succinate dehydrogenase complex assembly factor 2; plus strand). Cytogenetic location: 11q12.2.
Variant type: single nucleotide variant.
Coding change: c.24G>A on transcript NM_017841.4 (MANE Select); coding-DNA position 24, G replaced by A.
Protein change: p.Ser8=; no amino-acid change (serine 8 retained).
Molecular consequence: synonymous variant.
Genome position (GRCh38, 1-based): chr11:61,430,170, G>A. VCF-style: chr11-61430170-G-A. GRCh37 (hg19) VCF-style: chr11-61197642-G-A.
Identifiers: ClinVar variation 486409 (VCV000486409.21), dbSNP rs764251580, ClinGen allele CA058095.